The following is an entry in ClinVar:

NM_000368.5(TSC1):c.295C>T (p.Leu99=)

Gene: TSC1 (TSC complex subunit 1; minus strand). Cytogenetic location: 9q34.13.
Variant type: single nucleotide variant.
Coding change: c.295C>T on transcript NM_000368.5 (MANE Select); coding-DNA position 295, C replaced by T.
Protein change: p.Leu99=; no amino-acid change (leucine 99 retained).
Molecular consequence: synonymous variant. On other transcripts: 5 prime UTR variant (1), intron variant (1).
Genome position (GRCh38, 1-based): chr9:132,925,655, G>A on the plus strand (C>T on the coding strand, the complement: TSC1 is on the minus strand). VCF-style: chr9-132925655-G-A. GRCh37 (hg19) VCF-style: chr9-135801042-G-A.
Other names: c.295C>T, p.Leu99= (NM_001162426.2); c.-69C>T (NM_001362177.2); c.210+1546C>T (NM_001162427.2).
Identifiers: ClinVar variation 1153082 (VCV001153082.10), dbSNP rs2132233679, ClinGen allele CA467594171.
Genomic context (GRCh38, chr9:132,925,655, plus strand): 5'-ATTTTAGTAAAGAAGGCAAAAGAGGTGCTTGAGAGAGCTTATGCTTCCAAGATGGCTGCA[G>A]TCTTATGACATGACCCAGTAACGAGAGGATGGATAAACGAGTGGCGGCTTTGCCCACATA-3'
Protein context (NP_000359.1, residues 89-109): ILSLLGHVIR[Leu99=]QPSWKHKLSQ

ClinVar aggregate classification (germline): Benign/Likely benign. Review status: criteria provided, multiple submitters, no conflicts (2 of 4 stars). 2 submissions from 2 submitters: Benign (1); Likely benign (1). Last evaluated 2025-04-08.

Conditions:
Tuberous sclerosis 1 (TSC1). Identifiers: Orphanet 805, MedGen C1854465, MONDO:0008612, OMIM 191100.

Submissions (2):

Myriad Genetics, Inc.
Classification: Benign for Tuberous sclerosis 1. Last evaluated: 2025-04-08. Review status: criteria provided, single submitter. Criteria: Myriad Autosomal Dominant, Autosomal Recessive and X-Linked Classification Criteria (2023). Collection method: clinical testing. Allele origin: unknown.
Comment: This variant is considered benign. This variant is a silent/synonymous amino acid change and it is not expected to impact splicing.

Labcorp Genetics (formerly Invitae), Labcorp
Classification: Likely benign for Tuberous sclerosis 1. Last evaluated: 2020-05-10. Review status: criteria provided, single submitter. Criteria: Invitae Variant Classification Sherloc (09022015). Collection method: clinical testing. Allele origin: germline.